The following is an entry in ClinVar:

NM_015443.4(KANSL1):c.1384C>T (p.Arg462Ter)

Gene: KANSL1 (KAT8 regulatory NSL complex subunit 1). Cytogenetic location: 17q21.31.
Variant type: single nucleotide variant.
Coding change: c.1384C>T on transcript NM_015443.4 (MANE Select); coding-DNA position 1384, C replaced by T.
Protein change: p.Arg462Ter; replaces arginine 462 with a stop codon.
Molecular consequence: nonsense.
Genome position (GRCh38, 1-based): chr17:46,094,607, G>A on the plus strand (C>T on the coding strand, the complement: KANSL1 is on the minus strand). VCF-style: chr17-46094607-G-A. GRCh37 (hg19) VCF-style: chr17-44171973-G-A.
Other names: c.1384C>T, p.Arg462Ter (NM_001405874.1, NM_001405875.1, NM_001405876.1 and 18 more transcripts); c.118C>T, p.Arg40Ter (NM_001405882.1, NM_001405883.1, NM_001405884.1 and 1 more transcripts); short protein forms R40*, R462*.
Identifiers: ClinVar variation 2444608 (VCV002444608.2), dbSNP rs2544472144, ClinGen allele CA399996480.

ClinVar aggregate classification (germline): Pathogenic (1 of 4 stars; one submission).

Submission:

GeneDx
Classification: Pathogenic. Last evaluated: 2025-02-05. Review status: criteria provided, single submitter. Criteria: GeneDx Variant Classification Process June 2021. Collection method: clinical testing. Allele origin: germline.
Comment: Nonsense variant predicted to result in protein truncation or nonsense mediated decay in a gene for which loss of function is a known mechanism of disease; Not observed at significant frequency in large population cohorts (gnomAD); Note that inversion polymorphisms exist at 17q21.31 which contain partial duplications of the KANSL1 gene and produce novel KANSL1 transcripts (PMID: 22751096). It is unknown if this variant is present in the primary transcript of the KANSL1 gene or an alternate transcript from the duplicated haplotype.; Has not been previously published as a germline pathogenic or benign variant to our knowledge; This variant is associated with the following publications: (PMID: 24056718, 22751096)